The following is an entry in ClinVar:

NM_000041.4(APOE):c.541C>G (p.Gln181Glu)

Gene: APOE (apolipoprotein E; plus strand). Cytogenetic location: 19q13.32.
Variant type: single nucleotide variant.
Coding change: c.541C>G on transcript NM_000041.4 (MANE Select); coding-DNA position 541, C replaced by G.
Protein change: p.Gln181Glu; replaces glutamine 181 with glutamic acid.
Molecular consequence: missense variant.
Genome position (GRCh38, 1-based): chr19:44,908,837, C>G. VCF-style: chr19-44908837-C-G. GRCh37 (hg19) VCF-style: chr19-45412094-C-G.
Other names: c.619C>G, p.Gln207Glu (NM_001302688.2); c.541C>G, p.Gln181Glu (NM_001302689.2, NM_001302690.2, NM_001302691.2); short protein forms Q181E, Q207E.
Identifiers: ClinVar variation 2499313 (VCV002499313.1), dbSNP rs1434405741, ClinGen allele CA406304219.

ClinVar aggregate classification (germline): Uncertain significance (1 of 4 stars; one submission).

Allele frequency attached by ClinVar (database versions not stated): gnomAD exomes below 0.00001; TOPMed 0.00003; gnomAD 0.00005.
gnomAD v4.1: 13 of 1,533,002 alleles (0.00085%); highest among the groups gnomAD compares: Admixed American, 0.018%; no homozygotes.

Submission:

GeneDx
Classification: Uncertain significance. Last evaluated: 2022-10-11. Review status: criteria provided, single submitter. Criteria: GeneDx Variant Classification Process June 2021. Collection method: clinical testing. Allele origin: germline. Affected: yes.
Comment: Not observed at significant frequency in large population cohorts (gnomAD); In silico analysis supports that this missense variant does not alter protein structure/function; Has not been previously published as pathogenic or benign to our knowledge